The following is an entry in ClinVar:

ClinVar aggregate classification (germline): Uncertain significance (1 of 4 stars; one submission).

Allele frequency attached by ClinVar (database versions not stated): gnomAD exomes 0.00004 and 0.00012; gnomAD 0.00007; 1000 Genomes Project 0.00020; 1000 Genomes Project 30x 0.00031; ExAC 0.00038; ESP Exome Variant Server 0.00041.
gnomAD v4.1: 80 of 1,578,906 alleles (0.0051%); highest among the groups gnomAD compares: Non-Finnish European, 0.006%; no homozygotes.

Submission:

Labcorp Genetics (formerly Invitae), Labcorp
Classification: Uncertain significance. Last evaluated: 2025-07-15. Review status: criteria provided, single submitter. Criteria: Invitae Variant Classification Sherloc (09022015). Collection method: clinical testing. Allele origin: germline.
Comment: This sequence change replaces arginine, which is basic and polar, with tryptophan, which is neutral and slightly polar, at codon 582 of the TRIOBP protein (p.Arg582Trp). This variant is present in population databases (rs372263310, gnomAD 0.008%). This variant has not been reported in the literature in individuals affected with TRIOBP-related conditions. ClinVar contains an entry for this variant (Variation ID: 1485796). An algorithm developed to predict the effect of missense changes on protein structure and function (PolyPhen-2) suggests that this variant is likely to be disruptive. In summary, the available evidence is currently insufficient to determine the role of this variant in disease. Therefore, it has been classified as a Variant of Uncertain Significance.

NM_001039141.3(TRIOBP):c.1744C>T (p.Arg582Trp)

Gene: TRIOBP (TRIO and F-actin binding protein; plus strand). Cytogenetic location: 22q13.1.
Variant type: single nucleotide variant.
Coding change: c.1744C>T on transcript NM_001039141.3 (MANE Select); coding-DNA position 1744, C replaced by T.
Protein change: p.Arg582Trp; replaces arginine 582 with tryptophan.
Molecular consequence: missense variant.
Genome position (GRCh38, 1-based): chr22:37,724,300, C>T. VCF-style: chr22-37724300-C-T. GRCh37 (hg19) VCF-style: chr22-38120307-C-T.
Other names: short protein forms R582W.
Identifiers: ClinVar variation 1485796 (VCV001485796.6), dbSNP rs372263310, ClinGen allele CA10223668.